The following is an entry in ClinVar:

NM_024537.4(CARS2):c.1007C>T (p.Ser336Phe)

Gene: CARS2 (cysteinyl-tRNA synthetase 2, mitochondrial; minus strand). Cytogenetic location: 13q34.
Variant type: single nucleotide variant.
Coding change: c.1007C>T on transcript NM_024537.4 (MANE Select); coding-DNA position 1007, C replaced by T.
Protein change: p.Ser336Phe; replaces serine 336 with phenylalanine.
Molecular consequence: missense variant. On other transcripts: non-coding transcript variant (2).
Genome position (GRCh38, 1-based): chr13:110,651,081, G>A on the plus strand (C>T on the coding strand, the complement: CARS2 is on the minus strand). VCF-style: chr13-110651081-G-A. GRCh37 (hg19) VCF-style: chr13-111303428-G-A.
Other names: c.221C>T, p.Ser74Phe (NM_001352252.2); short protein forms S336F, S74F.
Identifiers: ClinVar variation 1506254 (VCV001506254.3), dbSNP rs556565233, ClinGen allele CA7051982.

ClinVar aggregate classification (germline): Uncertain significance (1 of 4 stars; one submission).

Conditions:
Combined oxidative phosphorylation defect type 27. Also called: Combined oxidative phosphorylation deficiency 27. Identifiers: Orphanet 477774, MedGen C5567608, MONDO:0014728, OMIM 616672.

Allele frequency attached by ClinVar (database versions not stated): gnomAD 0.00001; TOPMed 0.00003; 1000 Genomes Project 30x 0.00031; 1000 Genomes Project 0.00040.
gnomAD v4.1: 15 of 1,613,484 alleles (0.00093%); highest among the groups gnomAD compares: East Asian, 0.033%; no homozygotes.

Submission:

Labcorp Genetics (formerly Invitae), Labcorp
Classification: Uncertain significance for Combined oxidative phosphorylation defect type 27. Last evaluated: 2022-08-11. Review status: criteria provided, single submitter. Criteria: Invitae Variant Classification Sherloc (09022015). Collection method: clinical testing. Allele origin: germline.
Comment: This sequence change replaces serine, which is neutral and polar, with phenylalanine, which is neutral and non-polar, at codon 336 of the CARS2 protein (p.Ser336Phe). This variant is present in population databases (rs556565233, gnomAD 0.05%). This variant has not been reported in the literature in individuals affected with CARS2-related conditions. ClinVar contains an entry for this variant (Variation ID: 1506254). Algorithms developed to predict the effect of missense changes on protein structure and function are either unavailable or do not agree on the potential impact of this missense change (SIFT: "Deleterious"; PolyPhen-2: "Probably Damaging"; Align-GVGD: "Class C15"). In summary, the available evidence is currently insufficient to determine the role of this variant in disease. Therefore, it has been classified as a Variant of Uncertain Significance.